The following is an entry in ClinVar:

ClinVar aggregate classification (germline): Uncertain significance (1 of 4 stars; one submission).

Conditions:
Long QT syndrome (LQTS). Identifiers: MedGen C0023976, MeSH D008133, MONDO:0002442. Disease mechanism: loss of function. Inheritance: Various modes of inheritance.

Submission:

All of Us Research Program, National Institutes of Health
Classification: Uncertain significance for Long QT syndrome. Last evaluated: 2024-08-13. Review status: criteria provided, single submitter. Criteria: ACMG Guidelines, 2015. Collection method: clinical testing. Allele origin: germline. Inheritance: Autosomal dominant inheritance. Observed: 1 variant allele, 1 heterozygote.
Comment: This variant causes a G to A nucleotide substitution at the +3 position of intron 13/14 of the KCNH2 gene. To our knowledge, functional studies have not been reported for this variant. This variant has not been reported in individuals affected with KCNH2-related disorders in the literature. This variant has not been identified in the general population by the Genome Aggregation Database (gnomAD). The available evidence is insufficient to determine the role of this variant in disease conclusively. Therefore, this variant is classified as a Variant of Uncertain Significance.

This study involves interpretation of variants in research participants for the purpose of population health screening. Participant phenotype was not available at the time of variant classification. Additional details can be found in publication PMID: 35346344, PMCID: PMC8962531

NM_000238.4(KCNH2):c.3152+3G>A

Gene: KCNH2 (potassium voltage-gated channel subfamily H member 2; minus strand). Cytogenetic location: 7q36.1.
Variant type: single nucleotide variant.
Coding change: c.3152+3G>A on transcript NM_000238.4 (MANE Select); 3 bases into the intron after coding-DNA position 3152, G replaced by A.
Molecular consequence: intron variant.
Genome position (GRCh38, 1-based): chr7:150,947,325, C>T on the plus strand (G>A on the coding strand, the complement: KCNH2 is on the minus strand). VCF-style: chr7-150947325-C-T. GRCh37 (hg19) VCF-style: chr7-150644413-C-T.
Other names: c.2864+3G>A (NM_001406753.1); c.2132+3G>A (NM_172057.3).
Identifiers: ClinVar variation 3386879 (VCV003386879.1).
Genomic context (GRCh38, chr7:150,947,325, plus strand): 5'-ACACCGCCAGGACCTGGACCAGACTCCAGGGCGTGCCCCCCCACCCCACCTGCACTCCCT[C>T]ACCTGTTGAGCTGGCGCTGGAGGGCATCCAGCCTGCTCTCCACGTCGCCCCGGGGCCGCC-3'